The following is an entry in ClinVar:

NM_001267550.2(TTN):c.23177C>T (p.Ser7726Leu)

Gene: TTN (titin; minus strand). Cytogenetic location: 2q31.2.
Variant type: single nucleotide variant.
Coding change: c.23177C>T on transcript NM_001267550.2 (MANE Select); coding-DNA position 23177, C replaced by T.
Protein change: p.Ser7726Leu; replaces serine 7726 with leucine.
Molecular consequence: missense variant. On other transcripts: intron variant (3).
Genome position (GRCh38, 1-based): chr2:178,720,585, G>A on the plus strand (C>T on the coding strand, the complement: TTN is on the minus strand). VCF-style: chr2-178720585-G-A. GRCh37 (hg19) VCF-style: chr2-179585312-G-A.
Other names: p.S6482L:TCG>TTG; p.Ser7409Leu; c.22226C>T, p.Ser7409Leu (NM_001256850.1); c.19445C>T, p.Ser6482Leu (NM_133378.4); c.13282+17497C>T (NM_003319.4); c.13858+17497C>T (NM_133437.4); c.13657+17497C>T (NM_133432.3); short protein forms S7726L, S6482L, S7409L.
Identifiers: ClinVar variation 46713 (VCV000046713.79), dbSNP rs17452588, ClinGen allele CA139019.

ClinVar aggregate classification (germline): Conflicting classifications of pathogenicity. Review status: criteria provided, conflicting classifications (1 of 4 stars). 24 submissions from 20 submitters: Uncertain significance (1); Benign (15); Likely benign (3). 5 of the submissions do not count toward it. Last evaluated 2026-09-01.

Conditions:
Cardiovascular phenotype. Identifiers: MedGen CN230736.
Autosomal recessive limb-girdle muscular dystrophy type 2J (LGMDR10). Also called: MUSCULAR DYSTROPHY, LIMB-GIRDLE, AUTOSOMAL RECESSIVE 10; Limb-girdle muscular dystrophy, type 2J. Identifiers: Orphanet 140922, MedGen C1837342, MONDO:0012127, OMIM 608807.
Dilated cardiomyopathy 1G (CMD1G). Identifiers: Orphanet 154, MedGen C1858763, MONDO:0011400, OMIM 604145.
Cardiomyopathy (CMYO). Also called: Cardiomyopathies. Identifiers: Orphanet 167848, MedGen C0878544, MONDO:0004994, HP:0001638. Inheritance: Various modes of inheritance.
Myopathy, myofibrillar, 9, with early respiratory failure (MFM9). Also called: Myopathy, distal, with early respiratory failure, autosomal dominant; Hereditary myopathy with early respiratory failure; EDSTROM MYOPATHY; MYOPATHY, PROXIMAL, WITH EARLY RESPIRATORY MUSCLE INVOLVEMENT. Identifiers: Orphanet 178464, Orphanet 34521, MedGen C1863599, MONDO:0011362, OMIM 603689.
Early-onset myopathy with fatal cardiomyopathy (CMYO5). Also called: CONGENITAL MYOPATHY 5 WITH CARDIOMYOPATHY; Salih Myopathy. Identifiers: Orphanet 289377, MedGen C2673677, MONDO:0012714, OMIM 611705. Disease mechanism: loss of function.
Tibial muscular dystrophy (TMD). Also called: Tibial muscular dystrophy, tardive; Udd Distal Myopathy – Tibial Muscular Dystrophy; UDD MYOPATHY. Identifiers: Orphanet 609, MedGen C1838244, MONDO:0010870, OMIM 600334.
Hypertrophic cardiomyopathy. Also called: HYPERTROPHIC MYOCARDIOPATHY. Identifiers: Orphanet 217569, MedGen C0007194, MeSH D002312, MONDO:0005045, HP:0001639.

Allele frequency attached by ClinVar (database versions not stated): 1000 Genomes Project 30x 0.00234; gnomAD exomes 0.00709 and 0.00722; 1000 Genomes Project 0.00200; gnomAD 0.00701 and 0.00670; TOPMed 0.00439; ESP Exome Variant Server 0.00655; ExAC 0.00668.
gnomAD v4.1: 11,480 of 1,613,202 alleles (0.71%); highest among the groups gnomAD compares: Non-Finnish European, 0.73%; 73 homozygotes.

Submissions (24):

CeGaT Center for Human Genetics Tuebingen
Classification: Likely benign. Last evaluated: 2026-09-01. Review status: criteria provided, single submitter. Criteria: CeGaT Center For Human Genetics Tuebingen Variant Classification Criteria Version 2. Collection method: clinical testing. Allele origin: germline. Affected: yes. Observed: 72 variant alleles.
Comment: TTN: BP4, BS2

Labcorp Genetics (formerly Invitae), Labcorp
Classification: Benign for Dilated cardiomyopathy 1G; Autosomal recessive limb-girdle muscular dystrophy type 2J. Last evaluated: 2026-02-03. Review status: criteria provided, single submitter. Criteria: Invitae Variant Classification Sherloc (09022015). Collection method: clinical testing. Allele origin: germline.

ARUP Laboratories, Molecular Genetics and Genomics, ARUP Laboratories
Classification: Benign. Last evaluated: 2025-05-19. Review status: criteria provided, single submitter. Criteria: ARUP Molecular Germline Variant Investigation Process 2024. Collection method: clinical testing. Allele origin: germline.

Mayo Clinic Laboratories, Mayo Clinic
Classification: Benign. Last evaluated: 2025-04-30. Review status: criteria provided, single submitter. Criteria: ACMG Guidelines, 2015. Collection method: clinical testing. Allele origin: germline. Observed: 26 variant alleles.
Comment: BS1, BS2

Molecular Diagnostic Laboratory for Inherited Cardiovascular Disease, Montreal Heart Institute
Classification: Benign. Last evaluated: 2025-04-09. Review status: criteria provided, single submitter. Criteria: ACMG Guidelines, 2015. Collection method: clinical testing. Allele origin: germline. Affected: no.

Blueprint Genetics
Classification: Benign. Last evaluated: 2024-11-25. Review status: criteria provided, single submitter. Criteria: ACMG Guidelines, 2015. Collection method: clinical testing. Allele origin: germline.

Women's Health and Genetics/Laboratory Corporation of America, LabCorp
Classification: Benign. Last evaluated: 2020-08-17. Review status: criteria provided, single submitter. Criteria: LabCorp Variant Classification Summary - May 2015. Collection method: clinical testing. Allele origin: germline.
Comment: Variant summary: TTN c.19445C>T (p.Ser6482Leu) results in a non-conservative amino acid change located in the I-band of the encoded protein sequence. Three of five in-silico tools predict a benign effect of the variant on protein function. The variant allele was found at a frequency of 0.0071 in 247748 control chromosomes in the gnomAD database, including 14 homozygotes. The observed variant frequency is approximately 18 fold of the estimated maximal expected allele frequency for a pathogenic variant in TTN causing Dilated Cardiomyopathy phenotype (0.00039), strongly suggesting that the variant is benign. c.19445C>T has been reported in the literature (e.g. Pugh_2014). These reports however, do not provide unequivocal conclusions about association of the variant with Dilated Cardiomyopathy. To our knowledge, no experimental evidence demonstrating an impact on protein function has been reported. Ten ClinVar submitters (evaluation after 2014) cite the variant as benign/likely benign (n=9) or uncertain significance (n=1). Based on the evidence outlined above, the variant was classified as benign.

Center for Advanced Laboratory Medicine, UC San Diego Health, University of California San Diego
Classification: Benign for Hypertrophic cardiomyopathy. Last evaluated: 2019-01-31. Review status: criteria provided, single submitter. Criteria: ACMG Guidelines, 2015. Collection method: clinical testing. Allele origin: germline. Affected: yes. Observed: 1 variant allele.

CHEO Genetics Diagnostic Laboratory, Children's Hospital of Eastern Ontario
Classification: Benign for Cardiomyopathy. Last evaluated: 2018-06-25. Review status: criteria provided, single submitter. Criteria: ACMG Guidelines, 2015. Collection method: clinical testing. Allele origin: germline.

Illumina Laboratory Services, Illumina
Classification: Likely benign for Early-onset myopathy with fatal cardiomyopathy. Last evaluated: 2018-01-12. Review status: criteria provided, single submitter. Criteria: ICSL Variant Classification Criteria 13 December 2019. Collection method: clinical testing. Allele origin: germline.
Comment: This variant was observed in the ICSL laboratory as part of a predisposition screen in an ostensibly healthy population. It had not been previously curated by ICSL or reported in the Human Gene Mutation Database (HGMD: prior to June 1st, 2018), and was therefore a candidate for classification through an automated scoring system. Utilizing variant allele frequency, disease prevalence and penetrance estimates, and inheritance mode, an automated score was calculated to assess if this variant is too frequent to cause the disease. Based on the score and internal cut-off values, a variant classified as likely benign is not then subjected to further curation. The score for this variant resulted in a classification of likely benign for this disease.

Illumina Laboratory Services, Illumina
Classification: Uncertain significance for Autosomal recessive limb-girdle muscular dystrophy type 2J. Last evaluated: 2018-01-12. Review status: criteria provided, single submitter. Criteria: ICSL Variant Classification Criteria 13 December 2019. Collection method: clinical testing. Allele origin: germline.

Illumina Laboratory Services, Illumina
Classification: Benign for Tibial muscular dystrophy. Last evaluated: 2018-01-12. Review status: criteria provided, single submitter. Criteria: ICSL Variant Classification Criteria 13 December 2019. Collection method: clinical testing. Allele origin: germline.
Comment: This variant was observed in the ICSL laboratory as part of a predisposition screen in an ostensibly healthy population. It had not been previously curated by ICSL or reported in the Human Gene Mutation Database (HGMD: prior to June 1st, 2018), and was therefore a candidate for classification through an automated scoring system. Utilizing variant allele frequency, disease prevalence and penetrance estimates, and inheritance mode, an automated score was calculated to assess if this variant is too frequent to cause the disease. Based on the score and internal cut-off values, a variant classified as benign is not then subjected to further curation. The score for this variant resulted in a classification of benign for this disease.

Illumina Laboratory Services, Illumina
Classification: Likely benign for Dilated cardiomyopathy 1G. Last evaluated: 2018-01-12. Review status: criteria provided, single submitter. Criteria: ICSL Variant Classification Criteria 13 December 2019. Collection method: clinical testing. Allele origin: germline.
Comment: the same text as in the submission from Illumina Laboratory Services, Illumina above.

Illumina Laboratory Services, Illumina
Classification: Benign for Myopathy, myofibrillar, 9, with early respiratory failure. Last evaluated: 2018-01-12. Review status: criteria provided, single submitter. Criteria: ICSL Variant Classification Criteria 13 December 2019. Collection method: clinical testing. Allele origin: germline.
Comment: the same text as in the submission from Illumina Laboratory Services, Illumina above.

GeneDx
Classification: Benign. Last evaluated: 2016-10-24. Review status: criteria provided, single submitter. Criteria: GeneDx Variant Classification (06012015). Collection method: clinical testing. Allele origin: germline. Affected: yes.
Comment: This variant is considered likely benign or benign based on one or more of the following criteria: it is a conservative change, it occurs at a poorly conserved position in the protein, it is predicted to be benign by multiple in silico algorithms, and/or has population frequency not consistent with disease.

Eurofins Ntd Llc (ga)
Classification: Benign. Last evaluated: 2015-07-21. Review status: criteria provided, single submitter. Criteria: EGL Classification Definitions 2015. Collection method: clinical testing. Allele origin: germline. Observed: 2 variant alleles, 2 heterozygotes.

Laboratory for Molecular Medicine, Mass General Brigham Personalized Medicine
Classification: Benign. Last evaluated: 2015-03-04. Review status: criteria provided, single submitter. Criteria: LMM Criteria. Collection method: clinical testing. Allele origin: germline. Observed: 27 variant alleles.
Comment: p.Ser6482Leu in exon 77 of TTN: This variant is not expected to have clinical si gnificance because it has been identified in 3.1% (205/6544) of Finnish chromoso mes by the Exome Aggregation Consortium (ExAC; d bSNP dbSNP rs17452588).

Ambry Genetics
Classification: Benign for Cardiovascular phenotype. Last evaluated: 2013-07-31. Review status: criteria provided, single submitter. Criteria: Ambry Autosomal Dominant and X-Linked criteria (10/2015). Collection method: clinical testing. Allele origin: germline. Observed: 1 variant allele.

Biesecker Lab/Clinical Genomics Section, National Institutes of Health
Classification: Benign. Last evaluated: 2013-06-24. Review status: criteria provided, single submitter. Criteria: Ng et al. (Circ Cardiovasc Genet. 2013). Collection method: research. Allele origin: unknown. Observed: 6 variant alleles. Study: ClinSeq.
Comment: The study set was not selected for affection status in relation to any cancer. Pathogenicity categories were based on literature curation. See Pubmed ID:23861362 for details.

Medical sequencing

Clinical Genetics DNA and cytogenetics Diagnostics Lab, Erasmus MC, Erasmus Medical Center
Classification: Benign. Review status: no assertion criteria provided. Collection method: clinical testing. Allele origin: germline. Affected: yes. Study: VKGL Data-share Consensus. Not counted in ClinVar's aggregate classification.

Clinical Genetics, Academic Medical Center
Classification: Benign. Review status: no assertion criteria provided. Collection method: clinical testing. Allele origin: germline. Affected: yes. Study: VKGL Data-share Consensus. Not counted in ClinVar's aggregate classification.

Diagnostic Laboratory, Department of Genetics, University Medical Center Groningen
Classification: Likely benign. Review status: no assertion criteria provided. Collection method: clinical testing. Allele origin: germline. Affected: yes. Study: VKGL Data-share Consensus. Not counted in ClinVar's aggregate classification.

Joint Genome Diagnostic Labs from Nijmegen and Maastricht, Radboudumc and MUMC+
Classification: Benign. Review status: no assertion criteria provided. Collection method: clinical testing. Allele origin: germline. Affected: yes. Study: VKGL Data-share Consensus. Not counted in ClinVar's aggregate classification.

Laboratory of Diagnostic Genome Analysis, Leiden University Medical Center (LUMC)
Classification: Likely benign. Review status: no assertion criteria provided. Collection method: clinical testing. Allele origin: germline. Affected: yes. Study: VKGL Data-share Consensus. Not counted in ClinVar's aggregate classification.

Literature cited by the submitters: PubMed 24503780 (cited by Women's Health and Genetics/Laboratory Corporation of America, LabCorp).